The following is an entry in ClinVar:

NM_001017995.3(SH3PXD2B):c.1730G>T (p.Arg577Met)

Gene: SH3PXD2B (SH3 and PX domains 2B; minus strand). Cytogenetic location: 5q35.1.
Variant type: single nucleotide variant.
Coding change: c.1730G>T on transcript NM_001017995.3 (MANE Select); coding-DNA position 1730, G replaced by T.
Protein change: p.Arg577Met; replaces arginine 577 with methionine.
Molecular consequence: missense variant. On other transcripts: intron variant (1).
Genome position (GRCh38, 1-based): chr5:172,339,375, C>A on the plus strand (G>T on the coding strand, the complement: SH3PXD2B is on the minus strand). VCF-style: chr5-172339375-C-A. GRCh37 (hg19) VCF-style: chr5-171766379-C-A.
Other names: c.1188+6761G>T (NM_001308175.2); short protein forms R577M.
Identifiers: ClinVar variation 1388402 (VCV001388402.6), dbSNP rs761259375, ClinGen allele CA362147278.

ClinVar aggregate classification (germline): Uncertain significance (1 of 4 stars; one submission).

Submission:

Labcorp Genetics (formerly Invitae), Labcorp
Classification: Uncertain significance. Last evaluated: 2022-10-13. Review status: criteria provided, single submitter. Criteria: Invitae Variant Classification Sherloc (09022015). Collection method: clinical testing. Allele origin: germline.
Comment: ClinVar contains an entry for this variant (Variation ID: 1388402). Algorithms developed to predict the effect of missense changes on protein structure and function are either unavailable or do not agree on the potential impact of this missense change (SIFT: "Deleterious"; PolyPhen-2: "Possibly Damaging"; Align-GVGD: "Class C0"). In summary, the available evidence is currently insufficient to determine the role of this variant in disease. Therefore, it has been classified as a Variant of Uncertain Significance. This variant has not been reported in the literature in individuals affected with SH3PXD2B-related conditions. This variant is not present in population databases (gnomAD no frequency). This sequence change replaces arginine, which is basic and polar, with methionine, which is neutral and non-polar, at codon 577 of the SH3PXD2B protein (p.Arg577Met).